The following is an entry in ClinVar:

NM_001437.3(ESR2):c.363-118A>G

Gene: ESR2 (estrogen receptor 2; minus strand). Cytogenetic location: 14q23.2.
Variant type: single nucleotide variant.
Coding change: c.363-118A>G on transcript NM_001437.3 (MANE Select); 118 bases into the intron before coding-DNA position 363, A replaced by G.
Molecular consequence: intron variant.
Genome position (GRCh38, 1-based): chr14:64,280,271, T>C on the plus strand (A>G on the coding strand, the complement: ESR2 is on the minus strand). VCF-style: chr14-64280271-T-C. GRCh37 (hg19) VCF-style: chr14-64746989-T-C.
Other names: c.363-118A>G (NM_001291712.2, NM_001291723.1, NM_001040275.1 and 3 more transcripts).
Identifiers: ClinVar variation 4795395 (VCV004795395.1).
Genomic context (GRCh38, chr14:64,280,271, plus strand): 5'-CTAGGAAAAAAAAATAGCATGAACATTGCCTAATTTAATCTCTTTTTCCTCCAGGGTTCC[T>C]GGTAAATATATTCCCGGAAATCTGATACAGCAAAGCTTTTGATACTGATATCATATCTAC-3'

ClinVar aggregate classification (germline): Likely benign (1 of 4 stars; one submission).

gnomAD v4.1: 11,132 of 744,632 alleles (1.5%); highest among the groups gnomAD compares: South Asian, 3.8%; 148 homozygotes.

Submission:

GeneDx
Classification: Likely benign. Last evaluated: 2018-07-10. Review status: criteria provided, single submitter. Criteria: GeneDx Variant Classification Process June 2021. Collection method: clinical testing. Allele origin: germline. Affected: yes.
Comment: See Variant Classification Assertion Criteria.